The following is an entry in ClinVar:

NM_024312.5(GNPTAB):c.1030C>T (p.Arg344Trp)

Gene: GNPTAB (N-acetylglucosamine-1-phosphate transferase subunits alpha and beta; minus strand). Cytogenetic location: 12q23.2.
Variant type: single nucleotide variant.
Coding change: c.1030C>T on transcript NM_024312.5 (MANE Select); coding-DNA position 1030, C replaced by T.
Protein change: p.Arg344Trp; replaces arginine 344 with tryptophan.
Molecular consequence: missense variant.
Genome position (GRCh38, 1-based): chr12:101,770,489, G>A on the plus strand (C>T on the coding strand, the complement: GNPTAB is on the minus strand). VCF-style: chr12-101770489-G-A. GRCh37 (hg19) VCF-style: chr12-102164267-G-A.
Other names: short protein forms R344W.
Identifiers: ClinVar variation 1008344 (VCV001008344.3), dbSNP rs1480305030, ClinGen allele CA386303181.

ClinVar aggregate classification (germline): Uncertain significance. Review status: criteria provided, single submitter (1 of 4 stars). 2 submissions from 2 submitters: Uncertain significance (1). 1 of the submissions does not count toward it. Last evaluated 2021-09-15.

Conditions:
Mucolipidosis type II. Also called: Mucolipidosis 2; ML 2; Inclusion cell disease; Leroy Disease; N-acetylglucosamine 1phosphotransferase deficiency; ML disorder type 2. Identifiers: Orphanet 576, MedGen C2673377, MONDO:0009650, OMIM 252500.
Pseudo-Hurler polydystrophy. Also called: ML IIIA; Mucolipidosis III Alpha/Beta; MUCOLIPIDOSIS IIIA; ML III; ML III ALPHA/BETA; Type III Mucolipidosis. Identifiers: Orphanet 423461, Orphanet 577, MedGen C0033788, MONDO:0018931, OMIM 252600.

Allele frequency attached by ClinVar (database versions not stated): gnomAD exomes 0.00004 and 0.00001; TOPMed 0.00002; gnomAD 0.00003.
gnomAD v4.1: 66 of 1,613,138 alleles (0.0041%); highest among the groups gnomAD compares: African/African-American, 0.008%; no homozygotes.

Submissions (2):

Labcorp Genetics (formerly Invitae), Labcorp
Classification: Uncertain significance for Pseudo-Hurler polydystrophy; Mucolipidosis type II. Last evaluated: 2021-09-15. Review status: criteria provided, single submitter. Criteria: Invitae Variant Classification Sherloc (09022015). Collection method: clinical testing. Allele origin: germline.
Comment: This sequence change replaces arginine with tryptophan at codon 344 of the GNPTAB protein (p.Arg344Trp). The arginine residue is highly conserved and there is a moderate physicochemical difference between arginine and tryptophan. This variant is not present in population databases (ExAC no frequency). This missense change has been observed in individual(s) with clinical suspicion of mucolipidosis (PMID: 30882951). Algorithms developed to predict the effect of missense changes on protein structure and function (SIFT, PolyPhen-2, Align-GVGD) all suggest that this variant is likely to be disruptive. In summary, the available evidence is currently insufficient to determine the role of this variant in disease. Therefore, it has been classified as a Variant of Uncertain Significance.

Natera, Inc.
Classification: Uncertain significance for Mucolipidosis type II. Last evaluated: 2020-12-08. Review status: no assertion criteria provided. Collection method: clinical testing. Allele origin: germline. Not counted in ClinVar's aggregate classification.

Literature cited by the submitters: PubMed 30882951 (cited by Labcorp Genetics (formerly Invitae), Labcorp).